The following is an entry in ClinVar:

NM_001379200.1(TBX1):c.470T>C (p.Phe157Ser)

Gene: TBX1 (T-box transcription factor 1; plus strand). Cytogenetic location: 22q11.21.
Variant type: single nucleotide variant.
Coding change: c.470T>C on transcript NM_001379200.1 (MANE Select); coding-DNA position 470, T replaced by C.
Protein change: p.Phe157Ser; replaces phenylalanine 157 with serine.
Molecular consequence: missense variant.
Genome position (GRCh38, 1-based): chr22:19,763,273, T>C. VCF-style: chr22-19763273-T-C. GRCh37 (hg19) VCF-style: chr22-19750796-T-C.
Other names: c.443T>C, p.Phe148Ser (NM_005992.1, NM_080646.2, NM_080647.1); short protein forms F157S, F148S.
Identifiers: ClinVar variation 2088842 (VCV002088842.4), dbSNP rs28939675, ClinGen allele CA410682153.

ClinVar aggregate classification (germline): Uncertain significance (1 of 4 stars; one submission).

Conditions:
DiGeorge syndrome. Also called: Catch22; THIRD AND FOURTH PHARYNGEAL POUCH SYNDROME. Identifiers: Orphanet 567, MedGen C0012236, MONDO:0008564, OMIM 188400.

Submission:

Labcorp Genetics (formerly Invitae), Labcorp
Classification: Uncertain significance for DiGeorge syndrome. Last evaluated: 2022-01-21. Review status: criteria provided, single submitter. Criteria: Invitae Variant Classification Sherloc (09022015). Collection method: clinical testing. Allele origin: germline.
Comment: This sequence change replaces phenylalanine, which is neutral and non-polar, with serine, which is neutral and polar, at codon 148 of the TBX1 protein (p.Phe148Ser). This variant is not present in population databases (gnomAD no frequency). This variant has not been reported in the literature in individuals affected with TBX1-related conditions. Algorithms developed to predict the effect of missense changes on protein structure and function are either unavailable or do not agree on the potential impact of this missense change (SIFT: "Tolerated"; PolyPhen-2: "Probably Damaging"; Align-GVGD: "Class C0"). In summary, the available evidence is currently insufficient to determine the role of this variant in disease. Therefore, it has been classified as a Variant of Uncertain Significance.